The following is an entry in ClinVar:

ClinVar aggregate classification (germline): Benign/Likely benign. Review status: criteria provided, multiple submitters, no conflicts (2 of 4 stars). 8 submissions from 8 submitters: Benign (7); Likely benign (1). Last evaluated 2026-01-23.

Conditions:
Blau syndrome (BLAUS). Also called: JABS SYNDROME; GRANULOMATOSIS, FAMILIAL JUVENILE SYSTEMIC; GRANULOMATOSIS, FAMILIAL, BLAU TYPE; GRANULOMATOUS INFLAMMATORY ARTHRITIS, DERMATITIS, AND UVEITIS, FAMILIAL; ARTHROCUTANEOUVEAL GRANULOMATOSIS. Identifiers: Orphanet 90340, MedGen C5201146, MONDO:0008523, OMIM 186580.
Regional enteritis. Also called: Enteritis, Granulomatous. Identifiers: MedGen C0678202, MeSH D003424.
Autoinflammatory syndrome. Identifiers: Orphanet 93665, MedGen C3890737, MONDO:0019751.

Allele frequency attached by ClinVar (database versions not stated): gnomAD exomes 0.00034 and 0.00081; ExAC 0.00109; gnomAD 0.00331 and 0.00360; TOPMed 0.00357; 1000 Genomes Project 0.00419; ESP Exome Variant Server 0.00492; 1000 Genomes Project 30x 0.00515.
gnomAD v4.1: 1,019 of 1,613,754 alleles (0.063%); highest among the groups gnomAD compares: African/African-American, 1.2%; 5 homozygotes.

Submissions (8):

Women's Health and Genetics/Laboratory Corporation of America, LabCorp
Classification: Benign. Last evaluated: 2026-01-23. Review status: criteria provided, single submitter. Criteria: LabCorp Variant Classification Summary - May 2015. Collection method: clinical testing. Allele origin: germline.

Labcorp Genetics (formerly Invitae), Labcorp
Classification: Benign for Regional enteritis; Blau syndrome. Last evaluated: 2026-01-11. Review status: criteria provided, single submitter. Criteria: Invitae Variant Classification Sherloc (09022015). Collection method: clinical testing. Allele origin: germline.

Mayo Clinic Laboratories, Mayo Clinic
Classification: Benign. Last evaluated: 2025-05-27. Review status: criteria provided, single submitter. Criteria: ACMG Guidelines, 2015. Collection method: clinical testing. Allele origin: germline. Observed: 2 variant alleles.
Comment: BA1, BP4, BP7

Blueprint Genetics
Classification: Likely benign. Last evaluated: 2024-10-14. Review status: criteria provided, single submitter. Criteria: ACMG Guidelines, 2015. Collection method: clinical testing. Allele origin: germline.

ARUP Laboratories, Molecular Genetics and Genomics, ARUP Laboratories
Classification: Benign. Last evaluated: 2024-09-27. Review status: criteria provided, single submitter. Criteria: ARUP Molecular Germline Variant Investigation Process 2024. Collection method: clinical testing. Allele origin: germline.

CeGaT Center for Human Genetics Tuebingen
Classification: Benign. Last evaluated: 2022-12-01. Review status: criteria provided, single submitter. Criteria: CeGaT Center For Human Genetics Tuebingen Variant Classification Criteria Version 2. Collection method: clinical testing. Allele origin: germline. Affected: yes. Observed: 1 variant allele.
Comment: NOD2: BP4, BP7, BS1, BS2

Genome Diagnostics Laboratory, The Hospital for Sick Children
Classification: Benign for Autoinflammatory syndrome. Last evaluated: 2022-03-04. Review status: criteria provided, single submitter. Criteria: ACMG Guidelines, 2015. Collection method: clinical testing. Allele origin: germline. Affected: yes.

Breakthrough Genomics
Classification: Benign. Review status: criteria provided, single submitter. Criteria: ACMG Guidelines, 2015. Collection method: not provided. Allele origin: germline. Inheritance: Multifactorial inheritance. Affected: yes.

Literature cited by the submitters: PubMed 29503906 (cited by Mayo Clinic Laboratories, Mayo Clinic).

NM_001370466.1(NOD2):c.735C>T (p.Ser245=)

Gene: NOD2 (nucleotide binding oligomerization domain containing 2; plus strand). Cytogenetic location: 16q12.1.
Variant type: single nucleotide variant.
Coding change: c.735C>T on transcript NM_001370466.1 (MANE Select); coding-DNA position 735, C replaced by T.
Protein change: p.Ser245=; no amino-acid change (serine 245 retained).
Molecular consequence: synonymous variant. On other transcripts: non-coding transcript variant (1).
Genome position (GRCh38, 1-based): chr16:50,710,727, C>T. VCF-style: chr16-50710727-C-T. GRCh37 (hg19) VCF-style: chr16-50744638-C-T.
Other names: p.Ser272=; c.735C>T, p.Ser245= (NM_001293557.2); c.816C>T, p.Ser272= (NM_022162.3).
Identifiers: ClinVar variation 462701 (VCV000462701.50), dbSNP rs35090774, ClinGen allele CA8051403.